The following is an entry in ClinVar:

ClinVar aggregate classification (germline): Uncertain significance (1 of 4 stars; one submission).

Conditions:
Inborn genetic diseases. Identifiers: MedGen C0950123, MeSH D030342.

Submission:

Ambry Genetics
Classification: Uncertain significance for Inborn genetic diseases. Last evaluated: 2025-04-28. Review status: criteria provided, single submitter. Criteria: Ambry Variant Classification Scheme 2023. Collection method: clinical testing. Allele origin: germline.
Comment: The p.P100L variant (also known as c.299C>T), located in coding exon 2 of the ERCC6L2 gene, results from a C to T substitution at nucleotide position 299. The proline at codon 100 is replaced by leucine, an amino acid with similar properties. This amino acid position is conserved. In addition, the in silico prediction for this alteration is inconclusive. Based on the available evidence, the clinical significance of this variant remains unclear.

NM_020207.7(ERCC6L2):c.299C>T (p.Pro100Leu)

Gene: ERCC6L2 (ERCC excision repair 6 like 2; plus strand). Cytogenetic location: 9q22.32.
Variant type: single nucleotide variant.
Coding change: c.299C>T on transcript NM_020207.7 (MANE Select); coding-DNA position 299, C replaced by T.
Protein change: p.Pro100Leu; replaces proline 100 with leucine.
Molecular consequence: missense variant. On other transcripts: non-coding transcript variant (1).
Genome position (GRCh38, 1-based): chr9:95,881,121, C>T. VCF-style: chr9-95881121-C-T. GRCh37 (hg19) VCF-style: chr9-98643403-C-T.
Other names: c.299C>T, p.Pro100Leu (NM_001010895.4, NM_001375291.1, NM_001375292.1 and 2 more transcripts); short protein forms P100L.
Identifiers: ClinVar variation 4019334 (VCV004019334.1).
Genomic context (GRCh38, chr9:95,881,121, plus strand): 5'-GGAATCTTATATTTGATGATGAAGATTTAGAAAAACCTTATTTCCCAAACCGAAAATTTC[C>T]ATCATCTTCTGTTGCTTTTAAATTATCTGACAATGGAGACTCTATTCCTTATACCATCAA-3'
Protein context (NP_064592.3, residues 90-110): EKPYFPNRKF[Pro100Leu]SSSVAFKLSD